The following is an entry in ClinVar:

ClinVar aggregate classification (germline): Uncertain significance (1 of 4 stars; one submission).

Conditions:
Jeune thoracic dystrophy. Also called: Jeune syndrome; Infantile thoracic dystrophy; Thoracic pelvic phalangeal dystrophy; Jeune's syndrome; Chondroectodermal dysplasia-like syndrome; Short-rib thoracic dysplasia. Identifiers: Orphanet 474, MedGen C0265275, MONDO:0018770.

Submission:

Labcorp Genetics (formerly Invitae), Labcorp
Classification: Uncertain significance for Jeune thoracic dystrophy. Last evaluated: 2021-10-05. Review status: criteria provided, single submitter. Criteria: Invitae Variant Classification Sherloc (09022015). Collection method: clinical testing. Allele origin: germline.
Comment: This sequence change replaces aspartic acid with valine at codon 2945 of the DYNC2H1 protein (p.Asp2945Val). The aspartic acid residue is moderately conserved and there is a large physicochemical difference between aspartic acid and valine. This variant is not present in population databases (ExAC no frequency). This variant has not been reported in the literature in individuals affected with DYNC2H1-related conditions. Algorithms developed to predict the effect of missense changes on protein structure and function are either unavailable or do not agree on the potential impact of this missense change (SIFT: "Deleterious"; PolyPhen-2: "Benign"; Align-GVGD: "Class C0"). In summary, the available evidence is currently insufficient to determine the role of this variant in disease. Therefore, it has been classified as a Variant of Uncertain Significance.

NM_001377.3(DYNC2H1):c.8834A>T (p.Asp2945Val)

Gene: DYNC2H1 (dynein cytoplasmic 2 heavy chain 1; plus strand). Cytogenetic location: 11q22.3.
Variant type: single nucleotide variant.
Coding change: c.8834A>T on transcript NM_001377.3 (MANE Select); coding-DNA position 8834, A replaced by T.
Protein change: p.Asp2945Val; replaces aspartic acid 2945 with valine.
Molecular consequence: missense variant.
Genome position (GRCh38, 1-based): chr11:103,219,916, A>T. VCF-style: chr11-103219916-A-T. GRCh37 (hg19) VCF-style: chr11-103090645-A-T.
Other names: c.8834A>T, p.Asp2945Val (NM_001080463.2); short protein forms D2945V.
Identifiers: ClinVar variation 1484458 (VCV001484458.3), dbSNP rs2135147476, ClinGen allele CA382262282.